The following is an entry in ClinVar:

NM_005861.4(STUB1):c.577G>A (p.Val193Ile)

Genes: JMJD8 (jumonji domain containing 8; minus strand), STUB1 (STIP1 homology and U-box containing protein 1; plus strand). Cytogenetic location: 16p13.3.
Variant type: single nucleotide variant.
Coding change: c.577G>A on transcript NM_005861.4 (MANE Select); coding-DNA position 577, G replaced by A.
Protein change: p.Val193Ile; replaces valine 193 with isoleucine.
Molecular consequence: missense variant. On other transcripts: 3 prime UTR variant (5), non-coding transcript variant (3).
Genome position (GRCh38, 1-based): chr16:681,845, G>A. VCF-style: chr16-681845-G-A. GRCh37 (hg19) VCF-style: chr16-731845-G-A.
Other names: c.361G>A, p.Val121Ile (NM_001293197.2); c.*949C>T (NM_001005920.4, NM_001323919.3, NM_001323920.3); c.*983C>T (NM_001323918.3, NM_001323922.3); c.577G>A (NM_005861.2); short protein forms V121I, V193I.
Identifiers: ClinVar variation 2068965 (VCV002068965.4), dbSNP rs200514887, ClinGen allele CA7786672.
Genomic context (GRCh38, chr16:681,845, plus strand): 5'-ACCCCCAGGGAGCTGGAAGAGTGCCAGCGAAACCACGAGGGTGATGAGGACGACAGCCAC[G>A]TCCGGGCCCAGCAGGCCTGCATTGAGGCCAAGCACGTGAGGGTGCCCCCCACCCACATGT-3'
Protein context (NP_005852.2, residues 183-203): NHEGDEDDSH[Val193Ile]RAQQACIEAK

ClinVar aggregate classification (germline): Uncertain significance. Review status: criteria provided, multiple submitters, no conflicts (2 of 4 stars). 2 submissions from 2 submitters: Uncertain significance (2). Last evaluated 2025-09-02.

Allele frequency attached by ClinVar (database versions not stated): gnomAD 0.00013; TOPMed 0.00014; ESP Exome Variant Server 0.00015.
gnomAD v4.1: 441 of 1,611,650 alleles (0.027%); highest among the groups gnomAD compares: Non-Finnish European, 0.034%; 1 homozygote.

Submissions (2):

Labcorp Genetics (formerly Invitae), Labcorp
Classification: Uncertain significance. Last evaluated: 2025-09-02. Review status: criteria provided, single submitter. Criteria: Invitae Variant Classification Sherloc (09022015). Collection method: clinical testing. Allele origin: germline.
Comment: This sequence change replaces valine, which is neutral and non-polar, with isoleucine, which is neutral and non-polar, at codon 193 of the STUB1 protein (p.Val193Ile). This variant is present in population databases (rs200514887, gnomAD 0.08%). This variant has not been reported in the literature in individuals affected with STUB1-related conditions. ClinVar contains an entry for this variant (Variation ID: 2068965). An algorithm developed to predict the effect of missense changes on protein structure and function outputs the following: PolyPhen-2: "Benign". The isoleucine amino acid residue is found in multiple mammalian species, which suggests that this missense change does not adversely affect protein function. In summary, the available evidence is currently insufficient to determine the role of this variant in disease. Therefore, it has been classified as a Variant of Uncertain Significance.

GeneDx
Classification: Uncertain significance. Last evaluated: 2024-10-23. Review status: criteria provided, single submitter. Criteria: GeneDx Variant Classification Process June 2021. Collection method: clinical testing. Allele origin: germline. Affected: yes.
Comment: In silico analysis indicates that this missense variant does not alter protein structure/function; Has not been previously published as pathogenic or benign to our knowledge